The following is an entry in ClinVar:

ClinVar aggregate classification (germline): Likely pathogenic. Review status: criteria provided, multiple submitters, no conflicts (2 of 4 stars). 6 submissions from 6 submitters: Likely pathogenic (5). 1 of the submissions does not count toward it. Last evaluated 2025-09-26.

Conditions:
Deficiency of alpha-mannosidase (MANSA). Also called: Alpha-Mannosidosis; Mannosidosis, alpha-, types I and II; LYSOSOMAL ALPHA-D-MANNOSIDASE DEFICIENCY. Identifiers: Orphanet 61, MedGen C0024748, MONDO:0009561, OMIM 248500.

Submissions (6):

Natera, Inc.
Classification: Likely pathogenic for Alpha-mannosidosis. Last evaluated: 2025-09-26. Review status: criteria provided, single submitter. Criteria: Natera Variant Classification Schema (03/2026). Collection method: clinical testing. Allele origin: germline.
Comment: The c.763+2_763+8del variant in MAN2B1 is a canonical splice donor site variant predicted to affect pre-mRNA splicing, which may result in an abnormal transcript and altered protein product. This variant is expected to result in nonsense mediated decay, truncation, or a dysfunctional protein product. This variant is rare in the general population with a frequency below the threshold expected for the associated phenotype(s). Given the available evidence, this variant is classified as Likely Pathogenic.

Labcorp Genetics (formerly Invitae), Labcorp
Classification: Likely pathogenic for Deficiency of alpha-mannosidase. Last evaluated: 2024-10-30. Review status: criteria provided, single submitter. Criteria: Invitae Variant Classification Sherloc (09022015). Collection method: clinical testing. Allele origin: germline.
Comment: This sequence change affects a splice site in intron 5 of the MAN2B1 gene. It is expected to disrupt RNA splicing. Variants that disrupt the donor or acceptor splice site typically lead to a loss of protein function (PMID: 16199547), and loss-of-function variants in MAN2B1 are known to be pathogenic (PMID: 9915946, 22161967). This variant is not present in population databases (gnomAD no frequency). This variant has not been reported in the literature in individuals affected with MAN2B1-related conditions. ClinVar contains an entry for this variant (Variation ID: 371229). Algorithms developed to predict the effect of sequence changes on RNA splicing suggest that this variant may disrupt the consensus splice site. In summary, the currently available evidence indicates that the variant is pathogenic, but additional data are needed to prove that conclusively. Therefore, this variant has been classified as Likely Pathogenic.

Baylor Genetics
Classification: Likely pathogenic for Deficiency of alpha-mannosidase. Last evaluated: 2024-03-08. Review status: criteria provided, single submitter. Criteria: ACMG Guidelines, 2015. Collection method: clinical testing. Allele origin: unknown.

Fulgent Genetics
Classification: Likely pathogenic for Deficiency of alpha-mannosidase. Last evaluated: 2022-01-25. Review status: criteria provided, single submitter. Criteria: ACMG Guidelines, 2015. Collection method: clinical testing. Allele origin: unknown.

Institute of Medical Genetics and Applied Genomics, University Hospital Tübingen
Classification: Likely pathogenic. Last evaluated: 2020-10-23. Review status: criteria provided, single submitter. Criteria: ACMG Guidelines, 2015. Collection method: clinical testing. Allele origin: germline. Inheritance: Unknown mechanism. Affected: yes.

Counsyl
Classification: Likely pathogenic for Deficiency of alpha-mannosidase. Last evaluated: 2016-08-02. Review status: no assertion criteria provided. Collection method: clinical testing. Allele origin: unknown. Not counted in ClinVar's aggregate classification.

Literature cited by the submitters: PubMed 16199547 (cited by Labcorp Genetics (formerly Invitae), Labcorp); PubMed 9915946 (cited by Labcorp Genetics (formerly Invitae), Labcorp); PubMed 22161967 (cited by Labcorp Genetics (formerly Invitae), Labcorp).

NM_000528.4(MAN2B1):c.763+2_763+8del

Gene: MAN2B1 (mannosidase alpha class 2B member 1; minus strand). Cytogenetic location: 19p13.13.
Variant type: Deletion.
Coding change: c.763+2_763+8del on transcript NM_000528.4 (MANE Select); the canonical splice donor site of the intron after coding-DNA position 763 through 8 bases into the intron after coding-DNA position 763, 7 bases deleted (TAGGGGG; older notation c.763+2_763+8delTAGGGGG).
Molecular consequence: splice donor variant.
Genome position (GRCh38, 1-based): chr19:12,663,695-12,663,701, CCCCCTA deleted on the plus strand (TAGGGGG on the coding strand, the reverse complement: MAN2B1 is on the minus strand); deleting any 7 consecutive bases within chr19:12,663,695-12,663,703 gives the same sequence; the c. name uses the placement nearest the transcript's 3' end. VCF-style (leftmost placement, unchanged base first): chr19-12663694-GCCCCCTA-G. GRCh37 (hg19) VCF-style: chr19-12774508-GCCCCCTA-G.
Other names: c.763+2_763+8del (NM_001173498.2, NM_000528.3).
Identifiers: ClinVar variation 371229 (VCV000371229.13), dbSNP rs1057517108, ClinGen allele CA16041955.
Genomic context (GRCh38, chr19:12,663,694, plus strand): 5'-GATATCAAGCCCAGGGCCCTTCTGAGTGTGTGGCACCATGGCTGGCCCTGCCCTCACCAA[GCCCCCTA>G]CCAGTGAAGAGGTCCGCGGTCGGGGGCTTCAGGCTGGTGCTGGCCCGCCACACCTGCTCC-3'